The following is an entry in ClinVar:

NM_173551.5(ANKS6):c.193G>T (p.Val65Phe)

Gene: ANKS6 (ankyrin repeat and sterile alpha motif domain containing 6; minus strand). Cytogenetic location: 9q22.33.
Variant type: single nucleotide variant.
Coding change: c.193G>T on transcript NM_173551.5 (MANE Select); coding-DNA position 193, G replaced by T.
Protein change: p.Val65Phe; replaces valine 65 with phenylalanine.
Molecular consequence: missense variant.
Genome position (GRCh38, 1-based): chr9:98,796,299, C>A on the plus strand (G>T on the coding strand, the complement: ANKS6 is on the minus strand). VCF-style: chr9-98796299-C-A. GRCh37 (hg19) VCF-style: chr9-101558581-C-A.
Other names: c.193G>T (NM_173551.3); short protein forms V65F.
Identifiers: ClinVar variation 474447 (VCV000474447.16), dbSNP rs745881769, ClinGen allele CA5153886.

ClinVar aggregate classification (germline): Conflicting classifications of pathogenicity. Review status: criteria provided, conflicting classifications (1 of 4 stars). 4 submissions from 4 submitters: Uncertain significance (1); Likely benign (2). 1 of the submissions does not count toward it. Last evaluated 2026-01-15.

Conditions:
ANKS6-related disorder. Also called: ANKS6-related condition.
Inborn genetic diseases. Identifiers: MedGen C0950123, MeSH D030342.
Nephronophthisis 16 (NPHP16). Identifiers: Orphanet 655, MedGen C3809320, MONDO:0014158, OMIM 615382.

Allele frequency attached by ClinVar (database versions not stated): 1000 Genomes Project 30x 0.00078; TOPMed 0.00180; gnomAD 0.00196 and 0.00207; gnomAD exomes 0.00301 and 0.00377; ExAC 0.00508.
gnomAD v4.1: 3,610 of 1,264,420 alleles (0.29%); highest among the groups gnomAD compares: Non-Finnish European, 0.32%; 10 homozygotes.

Submissions (4):

Labcorp Genetics (formerly Invitae), Labcorp
Classification: Likely benign for Nephronophthisis 16. Last evaluated: 2026-01-15. Review status: criteria provided, single submitter. Criteria: Invitae Variant Classification Sherloc (09022015). Collection method: clinical testing. Allele origin: germline.

Blueprint Genetics
Classification: Likely benign. Last evaluated: 2024-11-13. Review status: criteria provided, single submitter. Criteria: ACMG Guidelines, 2015. Collection method: clinical testing. Allele origin: germline.

Ambry Genetics
Classification: Uncertain significance for Inborn genetic diseases. Last evaluated: 2023-09-20. Review status: criteria provided, single submitter. Criteria: Ambry Variant Classification Scheme 2023. Collection method: clinical testing. Allele origin: germline.

PreventionGenetics, part of Exact Sciences
Classification: Likely benign for ANKS6-related condition. Last evaluated: 2019-08-19. Review status: no assertion criteria provided. Collection method: clinical testing. Allele origin: germline. Not counted in ClinVar's aggregate classification.
Comment: This variant is classified as likely benign based on ACMG/AMP sequence variant interpretation guidelines (Richards et al. 2015 PMID: 25741868, with internal and published modifications).